The following is an entry in ClinVar:

NM_014249.4(NR2E3):c.202A>G (p.Ser68Gly)

Gene: NR2E3 (nuclear receptor subfamily 2 group E member 3; plus strand). Cytogenetic location: 15q23.
Variant type: single nucleotide variant.
Coding change: c.202A>G on transcript NM_014249.4 (MANE Select); coding-DNA position 202, A replaced by G.
Protein change: p.Ser68Gly; replaces serine 68 with glycine.
Molecular consequence: missense variant.
Genome position (GRCh38, 1-based): chr15:71,811,566, A>G. VCF-style: chr15-71811566-A-G. GRCh37 (hg19) VCF-style: chr15-72103906-A-G.
Other names: c.202A>G, p.Ser68Gly (NM_016346.4); short protein forms S68G.
Identifiers: ClinVar variation 860175 (VCV000860175.14), dbSNP rs763764130, ClinGen allele CA7640240.

ClinVar aggregate classification (germline): Conflicting classifications of pathogenicity. Review status: criteria provided, conflicting classifications (1 of 4 stars). 5 submissions from 5 submitters: Likely pathogenic (2); Uncertain significance (2). 1 of the submissions does not count toward it. Last evaluated 2026-03-04.

Conditions:
ENHANCED S-CONE SYNDROME 1 (ESCS1). Also called: RETINOSCHISIS WITH EARLY HEMERALOPIA; FAVRE HYALOIDEORETINAL DEGENERATION. Identifiers: MedGen CN380299, OMIM 268100.
Enhanced S-cone syndrome (ESCS). Identifiers: Orphanet 53540, MedGen C1849394, MONDO:0100288, MONDO:0009989.
NR2E3-related disorder. Also called: NR2E3-related condition; NR2E3-related disorders. Identifiers: MedGen CN239387.

Allele frequency attached by ClinVar (database versions not stated): TOPMed below 0.00001; gnomAD 0.00001; ExAC 0.00002; gnomAD exomes 0.00002.
gnomAD v4.1: 9 of 1,603,210 alleles (0.00056%); highest among the groups gnomAD compares: Non-Finnish European, 0.00077%; no homozygotes.

Submissions (5):

Myriad Genetics, Inc.
Classification: Uncertain significance for ENHANCED S-CONE SYNDROME 1. Last evaluated: 2026-03-04. Review status: criteria provided, single submitter. Criteria: Myriad Autosomal Dominant, Autosomal Recessive and X-Linked Classification Criteria (2023). Collection method: clinical testing. Allele origin: unknown.
Comment: NM_014249.2(NR2E3):c.202A>G(S68G) is a missense variant classified as a variant of uncertain significance in the context of enhanced S-cone syndrome. S68G has been observed in a case with relevant disease (PMID: 23604511). Relevant functional assessments of this variant are not available in the literature. S68G has been observed in referenced population frequency databases. In summary, there is insufficient evidence to classify NM_014249.2(NR2E3):c.202A>G(S68G) as pathogenic or benign. Please note: this variant was assessed in the context of healthy population screening.

Labcorp Genetics (formerly Invitae), Labcorp
Classification: Uncertain significance. Last evaluated: 2026-01-21. Review status: criteria provided, single submitter. Criteria: Invitae Variant Classification Sherloc (09022015). Collection method: clinical testing. Allele origin: germline.
Comment: This sequence change replaces serine, which is neutral and polar, with glycine, which is neutral and non-polar, at codon 68 of the NR2E3 protein (p.Ser68Gly). This variant is present in population databases (rs763764130, gnomAD 0.004%). This missense change has been observed in individual(s) with enhanced S-cone syndrome (PMID: 23604511). ClinVar contains an entry for this variant (Variation ID: 860175). Invitae Evidence Modeling of protein sequence and biophysical properties (such as structural, functional, and spatial information, amino acid conservation, physicochemical variation, residue mobility, and thermodynamic stability) indicates that this missense variant is expected to disrupt NR2E3 protein function with a positive predictive value of 80%. In summary, the available evidence is currently insufficient to determine the role of this variant in disease. Therefore, it has been classified as a Variant of Uncertain Significance.

Department of Human Genetics, University Hospital Bern, Inselspital
Classification: Likely pathogenic for ENHANCED S-CONE SYNDROME 1. Last evaluated: 2025-03-20. Review status: criteria provided, single submitter. Criteria: ACMG Guidelines, 2015. Collection method: clinical testing. Allele origin: unknown. Inheritance: Autosomal recessive inheritance. Affected: yes. Observed: 1 homozygote.
Comment: The variant has previously been reported in compound heterozygosity in an affected individual (PMID: 23604511), is present at a very low frequency in the population database gnomAD and affects a strongly conserved amino acid located in a domain in which other pathogenic NR2E3-Variants have been described.

Blueprint Genetics
Classification: Likely pathogenic for NR2E3-related disorders. Last evaluated: 2024-10-25. Review status: criteria provided, single submitter. Criteria: ACMG Guidelines, 2015. Collection method: clinical testing. Allele origin: germline. Affected: yes. Observed: 5 variant alleles.

Natera, Inc.
Classification: Uncertain significance for Enhanced S cone syndrome. Last evaluated: 2020-01-29. Review status: no assertion criteria provided. Collection method: clinical testing. Allele origin: germline. Not counted in ClinVar's aggregate classification.

Literature cited by the submitters: PubMed 23604511 (cited by 3 submitters).